The following is an entry in ClinVar:

NM_144651.5(PXDNL):c.913del (p.Cys305fs)

Gene: PXDNL (peroxidasin like; minus strand). Cytogenetic location: 8q11.22.
Variant type: Deletion.
Coding change: c.913del on transcript NM_144651.5 (MANE Select); coding-DNA position 913, one base deleted (T; older notation c.913delT).
Protein change: p.Cys305fs; shifts the reading frame from cysteine 305.
Molecular consequence: frameshift variant.
Genome position (GRCh38, 1-based): chr8:51,457,567, A deleted on the plus strand (T on the coding strand, the reverse complement: PXDNL is on the minus strand). VCF-style (leftmost placement, unchanged base first): chr8-51457566-CA-C. GRCh37 (hg19) VCF-style: chr8-52370126-CA-C.
Other names: c.913delT (NM_144651.4); short protein forms C305fs.
Identifiers: ClinVar variation 788552 (VCV000788552.6), dbSNP rs146964162, ClinGen allele CA4745495.

ClinVar aggregate classification (germline): Benign. Review status: criteria provided, single submitter (1 of 4 stars). 2 submissions from 2 submitters: Benign (1). 1 of the submissions does not count toward it. Last evaluated 2019-12-31.

Conditions:
PXDNL-related disorder. Also called: PXDNL-related condition.

Allele frequency attached by ClinVar (database versions not stated): gnomAD exomes 0.00087 and 0.00213; ExAC 0.00275; 1000 Genomes Project 0.01058; 1000 Genomes Project 30x 0.01156; gnomAD 0.00863 and 0.00927; ESP Exome Variant Server 0.00955; TOPMed 0.00982.

Submissions (2):

Labcorp Genetics (formerly Invitae), Labcorp
Classification: Benign. Last evaluated: 2019-12-31. Review status: criteria provided, single submitter. Criteria: Invitae Variant Classification Sherloc (09022015). Collection method: clinical testing. Allele origin: germline.

PreventionGenetics, part of Exact Sciences
Classification: Benign for PXDNL-related condition. Last evaluated: 2019-09-10. Review status: no assertion criteria provided. Collection method: clinical testing. Allele origin: germline. Not counted in ClinVar's aggregate classification.
Comment: This variant is classified as benign based on ACMG/AMP sequence variant interpretation guidelines (Richards et al. 2015 PMID: 25741868, with internal and published modifications).